The following is an entry in ClinVar:

NM_000492.4(CFTR):c.2735C>A (p.Ser912Ter)

Gene: CFTR (CF transmembrane conductance regulator; plus strand). Cytogenetic location: 7q31.2.
Variant type: single nucleotide variant.
Coding change: c.2735C>A on transcript NM_000492.4 (MANE Select); coding-DNA position 2735, C replaced by A.
Protein change: p.Ser912Ter; replaces serine 912 with a stop codon.
Molecular consequence: nonsense.
Genome position (GRCh38, 1-based): chr7:117,603,609, C>A. VCF-style: chr7-117603609-C-A. GRCh37 (hg19) VCF-style: chr7-117243663-C-A.
Other names: short protein forms S912*.
Identifiers: ClinVar variation 53550 (VCV000053550.20), dbSNP rs121909034, ClinGen allele CA326900.

ClinVar aggregate classification (germline): Pathogenic. Review status: reviewed by expert panel (3 of 4 stars). 11 submissions from 11 submitters: Pathogenic (1). 10 of the submissions do not count toward it. Last evaluated 2017-03-17.

Conditions:
Cystic fibrosis (CF). Also called: MUCOVISCIDOSIS. Identifiers: Orphanet 586, MedGen C0010674, MONDO:0009061, OMIM 219700. Disease mechanism: loss of function.
CFTR-related disorder (CFTR-RD). Also called: CFTR-related condition; CFTR-related disorders. Identifiers: MedGen C5924204, MONDO:7770004.
Hereditary pancreatitis (PCTT). Also called: PRSS1-Related Hereditary Pancreatitis; Hereditary chronic pancreatitis. Identifiers: Orphanet 676, MedGen C0238339, MONDO:0008185, OMIM 167800.
Bronchiectasis with or without elevated sweat chloride 1 (BESC1). Also called: Cystic Fibrosis-Like Syndrome. Identifiers: Orphanet 60033, MedGen C2749757, MONDO:0008887, OMIM 211400.

Submissions (11):

CFTR2
Classification: Pathogenic for Cystic fibrosis. Last evaluated: 2017-03-17. Review status: reviewed by expert panel. Criteria: Sosnay PR et al. (Nat Genet 2013). Collection method: research. Allele origin: germline. Affected: yes. Study: CFTR2.

Ambry Genetics
Classification: Pathogenic for Cystic fibrosis. Last evaluated: 2026-08-07. Review status: criteria provided, single submitter. Criteria: Ambry Variant Classification Scheme 2023. Collection method: clinical testing. Allele origin: germline. Not counted in ClinVar's aggregate classification.
Comment: The p.S912* pathogenic mutation (also known as c.2735C>A), located in coding exon 17 of the CFTR gene, results from a C to A substitution at nucleotide position 2735. This changes the amino acid from a serine to a stop codon within coding exon 17. This variant has been reported in multiple individuals with an elevated sweat chloride level in The Clinical and Functional TRanslation of CFTR (CFTR2) database (available at CFTR2. Accessed 08/07/2026). This alteration is expected to result in loss of function by premature protein truncation or nonsense-mediated mRNA decay. As such, this alteration is interpreted as a disease-causing mutation.

Natera, Inc.
Classification: Pathogenic for CFTR-related disorders. Last evaluated: 2024-02-29. Review status: criteria provided, single submitter. Criteria: Natera Variant Classification Schema (03/2026). Collection method: clinical testing. Allele origin: germline. Not counted in ClinVar's aggregate classification.
Comment: The c.2735C>A variant in CFTR is a nonsense variant predicted to introduce a stop codon at amino acid 912. This variant is expected to result in nonsense mediated decay, truncation, or a dysfunctional protein product. This variant is rare in the general population with a frequency below the threshold expected for the associated phenotype(s). This variant has been observed in one or more individuals affected with the associated recessive disease, as either homozygous or compound heterozygous with a second variant (PMID: 27812499, 25910067). Given the available evidence, this variant is classified as Pathogenic.

Baylor Genetics
Classification: Pathogenic for Bronchiectasis with or without elevated sweat chloride 1. Last evaluated: 2023-07-28. Review status: criteria provided, single submitter. Criteria: ACMG Guidelines, 2015. Collection method: clinical testing. Allele origin: unknown. Not counted in ClinVar's aggregate classification.

Labcorp Genetics (formerly Invitae), Labcorp
Classification: Pathogenic for Cystic fibrosis. Last evaluated: 2023-06-09. Review status: criteria provided, single submitter. Criteria: Invitae Variant Classification Sherloc (09022015). Collection method: clinical testing. Allele origin: germline. Not counted in ClinVar's aggregate classification.
Comment: For these reasons, this variant has been classified as Pathogenic. Algorithms developed to predict the effect of sequence changes on RNA splicing suggest that this variant may disrupt the consensus splice site. ClinVar contains an entry for this variant (Variation ID: 53550). This premature translational stop signal has been observed in individual(s) with cystic fibrosis (PMID: 7505693, 23974870, 25910067). In at least one individual the data is consistent with being in trans (on the opposite chromosome) from a pathogenic variant. This variant is not present in population databases (gnomAD no frequency). This sequence change creates a premature translational stop signal (p.Ser912*) in the CFTR gene. It is expected to result in an absent or disrupted protein product. Loss-of-function variants in CFTR are known to be pathogenic (PMID: 1695717, 7691345, 9725922).

Blueprint Genetics
Classification: Pathogenic for CFTR-related disorders. Last evaluated: 2022-06-14. Review status: criteria provided, single submitter. Criteria: ACMG Guidelines, 2015. Collection method: clinical testing. Allele origin: germline. Affected: yes. Observed: 1 variant allele. Not counted in ClinVar's aggregate classification.

Women's Health and Genetics/Laboratory Corporation of America, LabCorp
Classification: Pathogenic for Cystic fibrosis. Last evaluated: 2020-11-12. Review status: criteria provided, single submitter. Criteria: LabCorp Variant Classification Summary - May 2015. Collection method: clinical testing. Allele origin: germline. Not counted in ClinVar's aggregate classification.
Comment: Variant summary: CFTR c.2735C>A (p.Ser912X) results in a premature termination codon, predicted to cause a truncation of the encoded protein or absence of the protein due to nonsense mediated decay, which are commonly known mechanisms for disease. The variant was absent in 251374 control chromosomes (gnomAD). c.2735C>A has been reported in the literature in multiple individuals affected with Cystic Fibrosis (example: Saba_1993, Rendine_1997, Guigui_2016, Faa_2006, McCague_2019, Desai_2018). These data indicate that the variant is very likely to be associated with disease. To our knowledge, no experimental evidence demonstrating an impact on protein function has been reported. Four ClinVar submitters (evaluation after 2014) cite the variant as pathogenic. Based on the evidence outlined above, the variant was classified as pathogenic.

Sema4
Classification: Pathogenic for Hereditary pancreatitis. Last evaluated: 2020-10-22. Review status: criteria provided, single submitter. Criteria: Sema4 Curation Guidelines. Collection method: curation. Allele origin: germline. Not counted in ClinVar's aggregate classification.
Comment: The CFTR c.2735C>A (p.S912X) variant has been reported as compound heterozygous in multiple individuals with cystic fibrosis in the CFTR2 databases and in the literature (PMID:25910067); This nonsense variant creates a premature stop codon at residue 912 of the CFTR protein. At this location, this is predicted to result in absent protein (loss of function). Loss of function variants in CFTR are known to be pathogenic (PMID: 1695717). This variant is absent in the Genome Aggregation Database (PMID: 32461654). Based on the current evidence available, this variant is interpreted as pathogenic.

Mendelics
Classification: Pathogenic for Cystic fibrosis. Last evaluated: 2018-11-05. Review status: criteria provided, single submitter. Criteria: Mendelics Assertion Criteria 2017. Collection method: clinical testing. Allele origin: unknown. Affected: yes. Not counted in ClinVar's aggregate classification.

CFTR-France
Classification: Pathogenic for cystic fibrosis; CFTR-related disorders. Last evaluated: 2018-01-29. Review status: criteria provided, single submitter. Criteria: Claustres M et al. (Hum Mutat 2017). Collection method: curation. Allele origin: germline. Affected: yes. Not counted in ClinVar's aggregate classification.
Comment: the variant causes a phenotype but regarding our data, we can't formally attribute it to CF, CFTR-RD or both

Counsyl
Classification: Pathogenic for Cystic fibrosis. Last evaluated: 2016-09-28. Review status: no assertion criteria provided. Collection method: clinical testing. Allele origin: unknown. Not counted in ClinVar's aggregate classification.

Literature cited by the submitters: PubMed 7505693 (cited by 4 submitters); PubMed 27812499 (cited by Natera, Inc. and Women's Health and Genetics/Laboratory Corporation of America, LabCorp); PubMed 25910067 (cited by 4 submitters); PubMed 23974870 (cited by Labcorp Genetics (formerly Invitae), Labcorp and Counsyl); PubMed 1695717 (cited by Labcorp Genetics (formerly Invitae), Labcorp and Sema4); PubMed 7691345 (cited by Labcorp Genetics (formerly Invitae), Labcorp); PubMed 9725922 (cited by Labcorp Genetics (formerly Invitae), Labcorp); PubMed 9459003 (cited by Women's Health and Genetics/Laboratory Corporation of America, LabCorp); PubMed 16931591 (cited by Women's Health and Genetics/Laboratory Corporation of America, LabCorp); PubMed 29944384 (cited by Women's Health and Genetics/Laboratory Corporation of America, LabCorp); PubMed 30888834 (cited by Women's Health and Genetics/Laboratory Corporation of America, LabCorp).